The following is an entry in ClinVar:

NM_005198.5(CHKB):c.980C>T (p.Ser327Phe)

Genes: CHKB-CPT1B (CHKB-CPT1B readthrough (NMD candidate); minus strand), CHKB (choline kinase beta; minus strand). Cytogenetic location: 22q13.33.
Variant type: single nucleotide variant.
Coding change: c.980C>T on transcript NM_005198.5 (MANE Select); coding-DNA position 980, C replaced by T.
Protein change: p.Ser327Phe; replaces serine 327 with phenylalanine.
Molecular consequence: missense variant. On other transcripts: non-coding transcript variant (1).
Genome position (GRCh38, 1-based): chr22:50,579,778, G>A on the plus strand (C>T on the coding strand, the complement: CHKB is on the minus strand). VCF-style: chr22-50579778-G-A. GRCh37 (hg19) VCF-style: chr22-51018207-G-A.
Other names: short protein forms S327F.
Identifiers: ClinVar variation 342167 (VCV000342167.18), dbSNP rs371355721, ClinGen allele CA10323553.

ClinVar aggregate classification (germline): Uncertain significance. Review status: criteria provided, multiple submitters, no conflicts (2 of 4 stars). 5 submissions from 5 submitters: Uncertain significance (5). Last evaluated 2025-08-03.

Conditions:
Inborn genetic diseases. Identifiers: MedGen C0950123, MeSH D030342.
Megaconial type congenital muscular dystrophy (MDCMC). Also called: MUSCULAR DYSTROPHY, CONGENITAL, WITH MITOCHONDRIAL STRUCTURAL ABNORMALITIES; CHKB-Related Muscle Diseases; CHKB-Related Muscular Dystrophy. Identifiers: Orphanet 280671, MedGen C1865233, MONDO:0011246, OMIM 602541.

Allele frequency attached by ClinVar (database versions not stated): gnomAD exomes 0.00001 and 0.00002; ExAC 0.00002; gnomAD 0.00005 and 0.00006; TOPMed 0.00005.
gnomAD v4.1: 45 of 1,613,902 alleles (0.0028%); highest among the groups gnomAD compares: East Asian, 0.027%; no homozygotes.

Submissions (5):

Ambry Genetics
Classification: Uncertain significance for Inborn genetic diseases. Last evaluated: 2025-08-03. Review status: criteria provided, single submitter. Criteria: Ambry Variant Classification Scheme 2023. Collection method: clinical testing. Allele origin: germline.

Revvity Omics, Revvity
Classification: Uncertain significance for Megaconial type congenital muscular dystrophy. Last evaluated: 2024-03-13. Review status: criteria provided, single submitter. Criteria: ACMG Guidelines, 2015. Collection method: clinical testing. Allele origin: germline.

Labcorp Genetics (formerly Invitae), Labcorp
Classification: Uncertain significance for Megaconial type congenital muscular dystrophy. Last evaluated: 2024-01-08. Review status: criteria provided, single submitter. Criteria: Invitae Variant Classification Sherloc (09022015). Collection method: clinical testing. Allele origin: germline.
Comment: This sequence change replaces serine, which is neutral and polar, with phenylalanine, which is neutral and non-polar, at codon 327 of the CHKB protein (p.Ser327Phe). This variant is present in population databases (rs371355721, gnomAD 0.02%). This variant has not been reported in the literature in individuals affected with CHKB-related conditions. ClinVar contains an entry for this variant (Variation ID: 342167). An algorithm developed to predict the effect of missense changes on protein structure and function (PolyPhen-2) suggests that this variant¬†is likely to be tolerated. In summary, the available evidence is currently insufficient to determine the role of this variant in disease. Therefore, it has been classified as a Variant of Uncertain Significance.

GeneDx
Classification: Uncertain significance. Last evaluated: 2019-05-21. Review status: criteria provided, single submitter. Criteria: GeneDx Variant Classification Process June 2021. Collection method: clinical testing. Allele origin: germline. Affected: yes.
Comment: In silico analysis, which includes protein predictors and evolutionary conservation, supports a deleterious effect; Has not been previously published as pathogenic or benign to our knowledge

Illumina Laboratory Services, Illumina
Classification: Uncertain significance for Megaconial type congenital muscular dystrophy. Last evaluated: 2018-01-12. Review status: criteria provided, single submitter. Criteria: ICSL Variant Classification Criteria 13 December 2019. Collection method: clinical testing. Allele origin: germline.